The following is an entry in ClinVar:

NM_005629.4(SLC6A8):c.1130T>C (p.Val377Ala)

Gene: SLC6A8 (solute carrier family 6 member 8; plus strand). Cytogenetic location: Xq28.
Variant type: single nucleotide variant.
Coding change: c.1130T>C on transcript NM_005629.4 (MANE Select); coding-DNA position 1130, T replaced by C.
Protein change: p.Val377Ala; replaces valine 377 with alanine.
Molecular consequence: missense variant.
Genome position (GRCh38, 1-based): chrX:153,693,575, T>C. VCF-style: chrX-153693575-T-C. GRCh37 (hg19) VCF-style: chrX-152959030-T-C.
Other names: c.1100T>C, p.Val367Ala (NM_001142805.2); c.785T>C, p.Val262Ala (NM_001142806.1); short protein forms V262A, V367A, V377A.
Identifiers: ClinVar variation 4855504 (VCV004855504.1).
Genomic context (GRCh38, chrX:153,693,575, plus strand): 5'-TCGTGGTCTTCTCCATCCTGGGCTTCATGGCTGCAGAGCAGGGCGTGCACATCTCCAAGG[T>C]GGCAGAGTCAGGTAGGGCCCTACCCCCAGCCCCGCCTCCAGAGCAGCGAGTGCTACCCAG-3'
Protein context (NP_005620.1, residues 367-387): AAEQGVHISK[Val377Ala]AESGPGLAFI

ClinVar aggregate classification (germline): Uncertain significance (1 of 4 stars; one submission).

Conditions:
Creatine transporter deficiency (CCDS1). Also called: Mental retardation , X-linked with seizures, short stature and midface hypoplasia; Mental retardation , X-linked, with creatine transport deficiency; X-linked creatine transporter deficiency; X-linked creatine deficiency syndrome; SLC6A8-Related Creatine Transporter Deficiency; CREATINE TRANSPORTER DEFECT. Identifiers: Orphanet 52503, MedGen C1845862, MONDO:0010305, OMIM 300352.

Submission:

3billion
Classification: Uncertain significance for Creatine transporter deficiency. Last evaluated: 2025-06-23. Review status: criteria provided, single submitter. Criteria: ACMG Guidelines, 2015. Collection method: clinical testing. Allele origin: germline. Affected: yes.
Comment: The variant is not observed in the gnomAD v4.1.0 dataset. Predicted Consequence/Location: Missense variant In silico tool predictions suggest damaging effect of the variant on gene or gene product [REVEL: 0.92 (>=0.6, sensitivity 0.68 and specificity 0.92)]. Therefore, this variant is classified as VUS according to the recommendation of ACMG/AMP guideline.